The following is an entry in ClinVar:

ClinVar aggregate classification (germline): Uncertain significance (1 of 4 stars; one submission).

Submission:

Ambry Genetics
Classification: Uncertain significance. Last evaluated: 2022-04-10. Review status: criteria provided, single submitter. Criteria: Ambry Variant Classification Scheme 2023. Collection method: clinical testing. Allele origin: germline.
Comment: The p.L1797P variant (also known as c.5390T>C), located in coding exon 41 of the PRKDC gene, results from a T to C substitution at nucleotide position 5390. The leucine at codon 1797 is replaced by proline, an amino acid with similar properties. This amino acid position is conserved. Since supporting evidence is limited at this time, the clinical significance of this alteration remains unclear.

NM_006904.7(PRKDC):c.5390T>C (p.Leu1797Pro)

Gene: PRKDC (protein kinase, DNA-activated, catalytic subunit; minus strand). Cytogenetic location: 8q11.21.
Variant type: single nucleotide variant.
Coding change: c.5390T>C on transcript NM_006904.7 (MANE Select); coding-DNA position 5390, T replaced by C.
Protein change: p.Leu1797Pro; replaces leucine 1797 with proline.
Molecular consequence: missense variant.
Genome position (GRCh38, 1-based): chr8:47,864,737, A>G on the plus strand (T>C on the coding strand, the complement: PRKDC is on the minus strand). VCF-style: chr8-47864737-A-G. GRCh37 (hg19) VCF-style: chr8-48777298-A-G.
Other names: c.5390T>C, p.Leu1797Pro (NM_001081640.2); short protein forms L1797P.
Identifiers: ClinVar variation 1747229 (VCV001747229.2), dbSNP rs2551871042, ClinGen allele CA371163673.